The following is an entry in ClinVar:

ClinVar aggregate classification (germline): Uncertain significance (1 of 4 stars; one submission).

Conditions:
Cardiomyopathy (CMYO). Also called: Cardiomyopathies. Identifiers: Orphanet 167848, MedGen C0878544, MONDO:0004994, HP:0001638. Inheritance: Various modes of inheritance.

Submission:

Color Diagnostics, LLC DBA Color Health
Classification: Uncertain significance for Cardiomyopathy. Last evaluated: 2024-05-13. Review status: criteria provided, single submitter. Criteria: ACMG Guidelines, 2015. Collection method: clinical testing. Allele origin: germline.
Comment: This variant is located in the MYBPC3 protein. To our knowledge, functional studies have not been reported for this variant. This variant has not been reported in individuals affected with MYBPC3-related disorders in the literature. This variant has not been identified in the general population by the Genome Aggregation Database (gnomAD). The available evidence is insufficient to determine the role of this variant in disease conclusively. Therefore, this variant is classified as a Variant of Uncertain Significance.

NM_000256.3(MYBPC3):c.1743G>T (p.Gly581=)

Gene: MYBPC3 (myosin binding protein C3; minus strand). Cytogenetic location: 11p11.2.
Variant type: single nucleotide variant.
Coding change: c.1743G>T on transcript NM_000256.3 (MANE Select); coding-DNA position 1743, G replaced by T.
Protein change: p.Gly581=; no amino-acid change (glycine 581 retained).
Molecular consequence: synonymous variant.
Genome position (GRCh38, 1-based): chr11:47,342,038, C>A on the plus strand (G>T on the coding strand, the complement: MYBPC3 is on the minus strand). VCF-style: chr11-47342038-C-A. GRCh37 (hg19) VCF-style: chr11-47363589-C-A.
Identifiers: ClinVar variation 3893799 (VCV003893799.1).